The following is an entry in ClinVar:

NM_176824.3(BBS7):c.580_582del (p.Ala194del)

Gene: BBS7 (Bardet-Biedl syndrome 7; minus strand). Cytogenetic location: 4q27.
Variant type: Deletion.
Coding change: c.580_582del on transcript NM_176824.3 (MANE Select); coding-DNA positions 580 to 582, 3 bases deleted (GCA; older notation c.580_582delGCA).
Protein change: p.Ala194del; deletes alanine 194.
Molecular consequence: inframe deletion.
Genome position (GRCh38, 1-based): chr4:121,855,508-121,855,510, TGC deleted on the plus strand (GCA on the coding strand, the reverse complement: BBS7 is on the minus strand); deleting any 3 consecutive bases within chr4:121,855,508-121,855,511 gives the same sequence; the c. name uses the placement nearest the transcript's 3' end. VCF-style (leftmost placement, unchanged base first): chr4-121855507-GTGC-G. GRCh37 (hg19) VCF-style: chr4-122776662-GTGC-G.
Other names: NC_000004.11:g.122776664_122776666del; NP_789794.1:p.(Ala194del); c.580_582del, p.Ala194del (NM_018190.4); short protein forms A194del.
Identifiers: ClinVar variation 2734671 (VCV002734671.5), dbSNP rs2476533846, ClinGen allele CA2695203791.

ClinVar aggregate classification (germline): Pathogenic/Likely pathogenic. Review status: criteria provided, multiple submitters, no conflicts (2 of 4 stars). 2 submissions from 2 submitters: Pathogenic (1); Likely pathogenic (1). Last evaluated 2024-05-27.

Conditions:
Retinal dystrophy. Also called: Inherited retinal dystrophy. Identifiers: Orphanet 71862, MedGen C0854723, MeSH D058499, MONDO:0019118, HP:0000556.
Bardet-Biedl syndrome (BBS). Identifiers: Orphanet 110, MedGen C0752166, MONDO:0015229.

Submissions (2):

Ophthalmic Genetics Group, Institute of Molecular and Clinical Ophthalmology Basel
Classification: Likely pathogenic for Retinal dystrophy. Last evaluated: 2024-05-27. Review status: criteria provided, single submitter. Criteria: ACMG Guidelines, 2015. Collection method: research. Allele origin: germline. Affected: yes. Observed: 7 variant alleles.
Comment: This variant was classified as Likely pathogenic based on ACMG criteria: PM4_mod, PM2_sup, PP4_sup and PP5_sup

Labcorp Genetics (formerly Invitae), Labcorp
Classification: Pathogenic for Bardet-Biedl syndrome. Last evaluated: 2024-01-31. Review status: criteria provided, single submitter. Criteria: Invitae Variant Classification Sherloc (09022015). Collection method: clinical testing. Allele origin: germline.
Comment: This variant, c.580_582del, results in the deletion of 1 amino acid(s) of the BBS7 protein (p.Ala194del), but otherwise preserves the integrity of the reading frame. This variant is not present in population databases (gnomAD no frequency). This variant has been observed in individual(s) with Bardet-Biedl syndrome (PMID: 28761321). It has also been observed to segregate with disease in related individuals. For these reasons, this variant has been classified as Pathogenic.

Literature cited by the submitters: PubMed 40180963 (cited by Ophthalmic Genetics Group, Institute of Molecular and Clinical Ophthalmology Basel); PubMed 28761321 (cited by Labcorp Genetics (formerly Invitae), Labcorp).